The following is an entry in ClinVar:

NM_000051.4(ATM):c.3501C>G (p.Ile1167Met)

Gene: ATM (ATM serine/threonine kinase; plus strand). Cytogenetic location: 11q22.3.
Variant type: single nucleotide variant.
Coding change: c.3501C>G on transcript NM_000051.4 (MANE Select); coding-DNA position 3501, C replaced by G.
Protein change: p.Ile1167Met; replaces isoleucine 1167 with methionine.
Molecular consequence: missense variant.
Genome position (GRCh38, 1-based): chr11:108,281,093, C>G. VCF-style: chr11-108281093-C-G. GRCh37 (hg19) VCF-style: chr11-108151820-C-G.
Other names: c.3501C>G, p.Ile1167Met (NM_001351834.2); short protein forms I1167M.
Identifiers: ClinVar variation 4747200 (VCV004747200.1).

ClinVar aggregate classification (germline): Uncertain significance (1 of 4 stars; one submission).

Conditions:
Ataxia-telangiectasia syndrome (AT). Also called: Ataxia-telangiectasia, complementation group D; AT, COMPLEMENTATION GROUP C; Ataxia-telangiectasia; Ataxia telangiectasia (A-T); LOUIS-BAR SYNDROME; Cerebello-oculocutaneous telangiectasia. Identifiers: Orphanet 100, MedGen C0004135, MONDO:0008840, OMIM 208900.

Submission:

Labcorp Genetics (formerly Invitae), Labcorp
Classification: Uncertain significance for Ataxia-telangiectasia syndrome. Last evaluated: 2025-11-05. Review status: criteria provided, single submitter. Criteria: Invitae Variant Classification Sherloc (09022015). Collection method: clinical testing. Allele origin: germline.
Comment: This sequence change replaces isoleucine, which is neutral and non-polar, with methionine, which is neutral and non-polar, at codon 1167 of the ATM protein (p.Ile1167Met). This variant is not present in population databases (gnomAD no frequency). This variant has not been reported in the literature in individuals affected with ATM-related conditions. Invitae Evidence Modeling of protein sequence and biophysical properties (such as structural, functional, and spatial information, amino acid conservation, physicochemical variation, residue mobility, and thermodynamic stability) indicates that this missense variant is not expected to disrupt ATM protein function with a negative predictive value of 95%. In summary, the available evidence is currently insufficient to determine the role of this variant in disease. Therefore, it has been classified as a Variant of Uncertain Significance.